The following is an entry in ClinVar:

ClinVar aggregate classification (germline): Uncertain significance (1 of 4 stars; one submission).

Submission:

Labcorp Genetics (formerly Invitae), Labcorp
Classification: Uncertain significance. Last evaluated: 2021-08-07. Review status: criteria provided, single submitter. Criteria: Invitae Variant Classification Sherloc (09022015). Collection method: clinical testing. Allele origin: germline.
Comment: This sequence change replaces isoleucine with valine at codon 245 of the ADGRV1 protein (p.Ile245Val). The isoleucine residue is moderately conserved and there is a small physicochemical difference between isoleucine and valine. This variant is not present in population databases (ExAC no frequency). This variant has not been reported in the literature in individuals affected with ADGRV1-related conditions. Algorithms developed to predict the effect of missense changes on protein structure and function (SIFT, PolyPhen-2, Align-GVGD) all suggest that this variant is likely to be tolerated. In summary, the available evidence is currently insufficient to determine the role of this variant in disease. Therefore, it has been classified as a Variant of Uncertain Significance.

NM_032119.4(ADGRV1):c.733A>G (p.Ile245Val)

Gene: ADGRV1 (adhesion G protein-coupled receptor V1; plus strand). Cytogenetic location: 5q14.3.
Variant type: single nucleotide variant.
Coding change: c.733A>G on transcript NM_032119.4 (MANE Select); coding-DNA position 733, A replaced by G.
Protein change: p.Ile245Val; replaces isoleucine 245 with valine.
Molecular consequence: missense variant. On other transcripts: non-coding transcript variant (1).
Genome position (GRCh38, 1-based): chr5:90,627,271, A>G. VCF-style: chr5-90627271-A-G. GRCh37 (hg19) VCF-style: chr5-89923088-A-G.
Other names: short protein forms I245V.
Identifiers: ClinVar variation 1359143 (VCV001359143.6), dbSNP rs2149376018, ClinGen allele CA360365616.